The following is an entry in ClinVar:

NM_000551.4(VHL):c.287_307del (p.Gln96_Pro102del)

Gene: VHL (von Hippel-Lindau tumor suppressor; plus strand). Cytogenetic location: 3p25.3.
Variant type: Deletion.
Coding change: c.287_307del on transcript NM_000551.4 (MANE Select); coding-DNA positions 287 to 307, 21 bases deleted (AGCCCTACCCAACGCTGCCGC).
Protein change: p.Gln96_Pro102del.
Molecular consequence: non-coding transcript variant (on NR_176335.1).
Genome position (GRCh38, 1-based): chr3:10,142,134-10,142,154, AGCCCTACCCAACGCTGCCGC deleted; deleting any 21 consecutive bases within chr3:10,142,129-10,142,154 gives the same sequence; the c. name uses the placement nearest the transcript's 3' end. VCF-style (leftmost placement, unchanged base first): chr3-10142128-AGCCGCAGCCCTACCCAACGCT-A. GRCh37 (hg19) VCF-style: chr3-10183812-AGCCGCAGCCCTACCCAACGCT-A.
Other names: c.287_307del, p.Gln96_Pro102del (NM_001354723.2, NM_198156.3).
Identifiers: ClinVar variation 5031708 (VCV005031708.1).

ClinVar aggregate classification (germline): Pathogenic (1 of 4 stars; one submission).

Conditions:
Hereditary cancer-predisposing syndrome. Also called: Neoplastic Syndromes, Hereditary; Tumor predisposition; Hereditary neoplastic syndrome; Hereditary Cancer Syndrome. Identifiers: Orphanet 140162, MedGen C0027672, MeSH D009386, MONDO:0015356.

Submission:

Ambry Genetics
Classification: Pathogenic for Hereditary cancer-predisposing syndrome. Last evaluated: 2026-09-11. Review status: criteria provided, single submitter. Criteria: Ambry Variant Classification Scheme 2023. Collection method: clinical testing. Allele origin: germline.
Comment: The c.287_307del21 pathogenic mutation (also known as p.Q96_P102del) is located in coding exon 1 of the VHL gene. This variant results from an in-frame AGCCCTACCCAACGCTGCCGC deletion at nucleotide positions 287 to 307. This results in the in-frame deletion of seven amino acids at codons 96 to 102. This variant was reported in individual(s) with features consistent with von Hippel-Lindau syndrome (Ambry internal data). This amino acid region is well conserved in available vertebrate species and the impacted region is critical for protein function (Ambry internal data). In addition, this variant is predicted to be deleterious by in silico analysis (Choi Y et al. PLoS ONE. 2012; 7(10):e46688). This variant is considered to be rare based on population cohorts in the Genome Aggregation Database (gnomAD). Based on the supporting evidence, this variant is interpreted as a disease-causing mutation.